The following is an entry in ClinVar:

ClinVar aggregate classification (germline): Pathogenic. Review status: criteria provided, multiple submitters, no conflicts (2 of 4 stars). 3 submissions from 3 submitters: Pathogenic (3). Last evaluated 2025-06-10.

Conditions:
Hereditary cancer-predisposing syndrome. Also called: Tumor predisposition; Hereditary Cancer Syndrome; Neoplastic Syndromes, Hereditary; Hereditary neoplastic syndrome. Identifiers: Orphanet 140162, MedGen C0027672, MeSH D009386, MONDO:0015356.

Submissions (3):

Quest Diagnostics Nichols Institute San Juan Capistrano
Classification: Pathogenic. Last evaluated: 2025-06-10. Review status: criteria provided, single submitter. Criteria: Quest Diagnostics criteria. Collection method: clinical testing. Allele origin: unknown.
Comment: The BRCA2 c.7242delinsTAG (p.His2415Serfs*53) variant alters the translational reading frame of the BRCA2 mRNA and causes the premature termination of BRCA2 protein synthesis. This variant has not been reported in individuals with BRCA2-related conditions in the published literature. This variant has not been reported in large, multi-ethnic general populations (Genome Aggregation Database). Based on the available information, this variant is classified as pathogenic.

Ambry Genetics
Classification: Pathogenic for Hereditary cancer-predisposing syndrome. Last evaluated: 2025-04-15. Review status: criteria provided, single submitter. Criteria: Ambry Variant Classification Scheme 2023. Collection method: clinical testing. Allele origin: germline.
Comment: The c.7242delAinsTAG pathogenic mutation, located in coding exon 13 of the BRCA2 gene, results from the deletion of one nucleotide and insertion of 3 nucleotides causing a translational frameshift with a predicted alternate stop codon (p.H2415Sfs*55). This variant is considered to be rare based on population cohorts in the Genome Aggregation Database (gnomAD). This alteration is expected to result in loss of function by premature protein truncation or nonsense-mediated mRNA decay. As such, this alteration is interpreted as a disease-causing mutation.

Molecular Diagnostics Laboratory, Catalan Institute of Oncology
Classification: Pathogenic for Hereditary cancer-predisposing syndrome. Last evaluated: 2025-02-27. Review status: criteria provided, single submitter. Criteria: ClinGen BRCA1BRCA2 ACMG Specifications BRCA2 V1.0.0. Collection method: clinical testing. Allele origin: germline.
Comment: PVS1, PM5_PTC_Strong c.7242delinsTAG, located in exon 14 of the BRCA2 gene, consists in the deletion of a nucleotide a insertion of TAG, causing a translational frameshift with a predicted alternate stop codon, p.(His2415Asnfs*53). This alteration is expected to result in loss of function because the resulting coding sequence is not preserved (PVS1, PM5_PTC_Strong). It is not present in the population database gnomAD v2.1.1, non-cancer dataset. The SpliceAI algorithm predicts no significant impact on splicing. This variant has not been reported neither in the ClinVar, the LOVD nor in BRCA Exchange databases. Based on currently available information, the variant c.7242delinsTAG is classified as a pathogenic variant according to ClinGen-BRCA1 and BRCA2 Guidelines version 1.0.0.

NM_000059.4(BRCA2):c.7242delinsTAG (p.His2415fs)

Gene: BRCA2 (BRCA2 DNA repair associated; plus strand). Cytogenetic location: 13q13.1.
Variant type: Indel.
Coding change: c.7242delinsTAG on transcript NM_000059.4 (MANE Select); coding-DNA position 7242, A replaced by TAG.
Protein change: p.His2415fs; shifts the reading frame from histidine 2415.
Molecular consequence: frameshift variant.
Genome position (GRCh38, 1-based): chr13:32,355,095, A replaced by TAG. VCF-style: chr13-32355095-A-TAG. GRCh37 (hg19) VCF-style: chr13-32929232-A-TAG.
Other names: c.7242delAinsTAG (NM_000059.3); short protein forms H2415fs.
Identifiers: ClinVar variation 3774433 (VCV003774433.3), dbSNP rs2072680886.
Genomic context (GRCh38, chr13:32,355,095, plus strand): 5'-ACACTTGATTACTACAGGCAGACCAACCAAAGTCTTTGTTCCACCTTTTAAAACTAAATC[A>TAG]CATTTTCACAGAGTTGAACAGTGTGTTAGGAATATTAACTTGGAGGAAAACAGACAAAAG-3'